The following is an entry in ClinVar:

ClinVar aggregate classification (germline): Uncertain significance (1 of 4 stars; one submission).

Conditions:
Early-infantile DEE. Also called: Early infantile epileptic encephalopathy; Early infantile epileptic encephalopathy with suppression bursts; Ohtahara syndrome. Identifiers: Orphanet 1934, MedGen C0393706, MONDO:0800491.

Submission:

Labcorp Genetics (formerly Invitae), Labcorp
Classification: Uncertain significance for Early-infantile DEE. Last evaluated: 2022-05-07. Review status: criteria provided, single submitter. Criteria: Invitae Variant Classification Sherloc (09022015). Collection method: clinical testing. Allele origin: germline.
Comment: In summary, the available evidence is currently insufficient to determine the role of this variant in disease. Therefore, it has been classified as a Variant of Uncertain Significance. Algorithms developed to predict the effect of missense changes on protein structure and function are either unavailable or do not agree on the potential impact of this missense change (SIFT: "Deleterious"; PolyPhen-2: "Probably Damaging"; Align-GVGD: "Class C0"). This variant has not been reported in the literature in individuals affected with CACNA2D2-related conditions. The frequency data for this variant in the population databases is considered unreliable, as metrics indicate poor data quality at this position in the gnomAD database. This sequence change replaces arginine, which is basic and polar, with histidine, which is basic and polar, at codon 459 of the CACNA2D2 protein (p.Arg459His).

NM_006030.4(CACNA2D2):c.1376G>A (p.Arg459His)

Gene: CACNA2D2 (calcium voltage-gated channel auxiliary subunit alpha2delta 2; minus strand). Cytogenetic location: 3p21.31.
Variant type: single nucleotide variant.
Coding change: c.1376G>A on transcript NM_006030.4 (MANE Select); coding-DNA position 1376, G replaced by A.
Protein change: p.Arg459His; replaces arginine 459 with histidine.
Molecular consequence: missense variant.
Genome position (GRCh38, 1-based): chr3:50,378,297, C>T on the plus strand (G>A on the coding strand, the complement: CACNA2D2 is on the minus strand). VCF-style: chr3-50378297-C-T. GRCh37 (hg19) VCF-style: chr3-50415728-C-T.
Other names: c.1376G>A, p.Arg459His (NM_001005505.3, NM_001174051.3, NM_001410768.1); c.1169G>A, p.Arg390His (NM_001291101.1); short protein forms R390H, R459H.
Identifiers: ClinVar variation 2149823 (VCV002149823.4), dbSNP rs1158315781, ClinGen allele CA352930232.